The following is an entry in ClinVar:

ClinVar aggregate classification (germline): Benign (1 of 4 stars; one submission).

Conditions:
Sulfite oxidase deficiency due to molybdenum cofactor deficiency type A. Also called: Molybdenum Cofactor Deficiency A; Molybdenum cofactor deficiency, complementation group A. Identifiers: Orphanet 308386, Orphanet 833, MedGen C1854988, MONDO:0009643, OMIM 252150.

Allele frequency attached by ClinVar (database versions not stated): gnomAD exomes 0.01783 and 0.02177; ExAC 0.01866; gnomAD 0.04319 and 0.04471; 1000 Genomes Project 30x 0.04466; 1000 Genomes Project 0.04593; TOPMed 0.04805.
gnomAD v4.1: 12,171 of 462,778 alleles (2.6%); highest among the groups gnomAD compares: African/African-American, 11%; 405 homozygotes.

Submission:

Illumina Laboratory Services, Illumina
Classification: Benign for Sulfite oxidase deficiency due to molybdenum cofactor deficiency type A. Last evaluated: 2018-01-13. Review status: criteria provided, single submitter. Criteria: ICSL Variant Classification Criteria 13 December 2019. Collection method: clinical testing. Allele origin: germline.
Comment: This variant was observed in the ICSL laboratory as part of a predisposition screen in an ostensibly healthy population. It had not been previously curated by ICSL or reported in the Human Gene Mutation Database (HGMD: prior to June 1st, 2018), and was therefore a candidate for classification through an automated scoring system. Utilizing variant allele frequency, disease prevalence and penetrance estimates, and inheritance mode, an automated score was calculated to assess if this variant is too frequent to cause the disease. Based on the score and internal cut-off values, a variant classified as benign is not then subjected to further curation. The score for this variant resulted in a classification of benign for this disease.

NM_001358530.2(MOCS1):c.*987C>T

Gene: MOCS1 (molybdenum cofactor synthesis 1; minus strand). Cytogenetic location: 6p21.2.
Variant type: single nucleotide variant.
Coding change: c.*987C>T on transcript NM_001358530.2 (MANE Select); 987 bases downstream of the stop codon, C replaced by T.
Molecular consequence: 3 prime UTR variant. On other transcripts: non-coding transcript variant (1).
Genome position (GRCh38, 1-based): chr6:39,905,370, G>A on the plus strand (C>T on the coding strand, the complement: MOCS1 is on the minus strand). VCF-style: chr6-39905370-G-A. GRCh37 (hg19) VCF-style: chr6-39873146-G-A.
Other names: c.*1755C>T (NM_001075098.4, NM_001358533.2, NM_001358534.2 and 1 more transcripts); c.*987C>T (NM_001358529.2, NM_001358531.2).
Identifiers: ClinVar variation 356618 (VCV000356618.5), dbSNP rs7758412, ClinGen allele CA3795688.